The following is an entry in ClinVar:

NM_001290060.2(SEMA3B):c.119C>T (p.Ala40Val)

Gene: SEMA3B (semaphorin 3B; plus strand). Cytogenetic location: 3p21.31.
Variant type: single nucleotide variant.
Coding change: c.119C>T on transcript NM_001290060.2 (MANE Select); coding-DNA position 119, C replaced by T.
Protein change: p.Ala40Val; replaces alanine 40 with valine.
Molecular consequence: missense variant.
Genome position (GRCh38, 1-based): chr3:50,270,136, C>T. VCF-style: chr3-50270136-C-T. GRCh37 (hg19) VCF-style: chr3-50307567-C-T.
Other names: c.119C>T, p.Ala40Val (NM_001005914.3, NM_001290061.1, NM_001435956.1 and 3 more transcripts); short protein forms A40V.
Identifiers: ClinVar variation 4999232 (VCV004999232.1).

ClinVar aggregate classification (germline): Uncertain significance (1 of 4 stars; one submission).

Conditions:
SEMA3B-related disorder. Also called: SEMA3B-related condition.

Submission:

PreventionGenetics, part of Exact Sciences
Classification: Uncertain significance for SEMA3B-related condition. Last evaluated: 2025-06-25. Review status: criteria provided, single submitter. Criteria: ACMG Guidelines, 2015. Collection method: clinical testing. Allele origin: germline.
Comment: The SEMA3B c.119C>T variant is predicted to result in the amino acid substitution p.Ala40Val. To our knowledge, this variant has not been reported in the literature or in a large population database (gnomAD), indicating this variant is rare. At this time, the clinical significance of this variant is uncertain due to the absence of conclusive functional and genetic evidence.